The following is an entry in ClinVar:

NM_004820.5(CYP7B1):c.151G>A (p.Gly51Ser)

Gene: CYP7B1 (cytochrome P450 family 7 subfamily B member 1; minus strand). Cytogenetic location: 8q12.3.
Variant type: single nucleotide variant.
Coding change: c.151G>A on transcript NM_004820.5 (MANE Select); coding-DNA position 151, G replaced by A.
Protein change: p.Gly51Ser; replaces glycine 51 with serine.
Molecular consequence: missense variant.
Genome position (GRCh38, 1-based): chr8:64,624,511, C>T on the plus strand (G>A on the coding strand, the complement: CYP7B1 is on the minus strand). VCF-style: chr8-64624511-C-T. GRCh37 (hg19) VCF-style: chr8-65537068-C-T.
Other names: c.151G>A, p.Gly51Ser (NM_001324112.2); short protein forms G51S.
Identifiers: ClinVar variation 1367178 (VCV001367178.3), dbSNP rs961524982, ClinGen allele CA4764280.
Genomic context (GRCh38, chr8:64,624,511, plus strand): 5'-TCATGAACCTTAAGGGGTCTTTTCGTAAGTTCAGGACCACTCCAAGATAAGGAAGCCAAC[C>T]TTTTATCAATGGAGGCTCACCGGGTCTCCTACAAGGAAAAAAAAAAAGATAAAAGAACAA-3'
Protein context (NP_004811.1, residues 41-61): RRPGEPPLIK[Gly51Ser]WLPYLGVVLN

ClinVar aggregate classification (germline): Uncertain significance (1 of 4 stars; one submission).

Conditions:
Spastic paraplegia. Identifiers: MedGen C0037772, HP:0001258.

Allele frequency attached by ClinVar (database versions not stated): TOPMed 0.00001; gnomAD exomes 0.00002 and 0.00003; ExAC 0.00004.
gnomAD v4.1: 41 of 1,612,898 alleles (0.0025%); highest among the groups gnomAD compares: Non-Finnish European, 0.0033%; no homozygotes.

Submission:

Labcorp Genetics (formerly Invitae), Labcorp
Classification: Uncertain significance for Spastic paraplegia. Last evaluated: 2022-03-18. Review status: criteria provided, single submitter. Criteria: Invitae Variant Classification Sherloc (09022015). Collection method: clinical testing. Allele origin: germline.
Comment: This sequence change replaces glycine, which is neutral and non-polar, with serine, which is neutral and polar, at codon 51 of the CYP7B1 protein (p.Gly51Ser). This variant is present in population databases (no rsID available, gnomAD 0.007%). This variant has not been reported in the literature in individuals affected with CYP7B1-related conditions. Algorithms developed to predict the effect of missense changes on protein structure and function output the following: SIFT: "Deleterious"; PolyPhen-2: "Probably Damaging"; Align-GVGD: "Class C0". The serine amino acid residue is found in multiple mammalian species, which suggests that this missense change does not adversely affect protein function. In summary, the available evidence is currently insufficient to determine the role of this variant in disease. Therefore, it has been classified as a Variant of Uncertain Significance.